The following is an entry in ClinVar:

ClinVar aggregate classification (germline): Uncertain significance (1 of 4 stars; one submission).

Conditions:
PHGDH deficiency. Identifiers: Orphanet 79351, MedGen C1866174, MONDO:0011152, OMIM 601815.

Allele frequency attached by ClinVar (database versions not stated): TOPMed 0.00004; gnomAD 0.00005; gnomAD exomes 0.00010; ExAC 0.00012; ESP Exome Variant Server 0.00015.
gnomAD v4.1: 69 of 1,614,028 alleles (0.0043%); highest among the groups gnomAD compares: Admixed American, 0.013%; no homozygotes.

Submission:

Labcorp Genetics (formerly Invitae), Labcorp
Classification: Uncertain significance for PHGDH deficiency. Last evaluated: 2022-09-27. Review status: criteria provided, single submitter. Criteria: Invitae Variant Classification Sherloc (09022015). Collection method: clinical testing. Allele origin: germline.
Comment: This sequence change replaces arginine, which is basic and polar, with histidine, which is basic and polar, at codon 294 of the PHGDH protein (p.Arg294His). This variant is present in population databases (rs147049991, gnomAD 0.02%). This variant has not been reported in the literature in individuals affected with PHGDH-related conditions. ClinVar contains an entry for this variant (Variation ID: 1360093). Advanced modeling of protein sequence and biophysical properties (such as structural, functional, and spatial information, amino acid conservation, physicochemical variation, residue mobility, and thermodynamic stability) performed at Invitae indicates that this missense variant is expected to disrupt PHGDH protein function. In summary, the available evidence is currently insufficient to determine the role of this variant in disease. Therefore, it has been classified as a Variant of Uncertain Significance.

NM_006623.4(PHGDH):c.881G>A (p.Arg294His)

Gene: PHGDH (phosphoglycerate dehydrogenase; plus strand). Cytogenetic location: 1p12.
Variant type: single nucleotide variant.
Coding change: c.881G>A on transcript NM_006623.4 (MANE Select); coding-DNA position 881, G replaced by A.
Protein change: p.Arg294His; replaces arginine 294 with histidine.
Molecular consequence: missense variant.
Genome position (GRCh38, 1-based): chr1:119,737,202, G>A. VCF-style: chr1-119737202-G-A. GRCh37 (hg19) VCF-style: chr1-120279825-G-A.
Other names: short protein forms R294H.
Identifiers: ClinVar variation 1360093 (VCV001360093.3), dbSNP rs147049991, ClinGen allele CA1037280.